The following is an entry in ClinVar:

NM_145059.3(FCSK):c.1124C>G (p.Pro375Arg)

Gene: FCSK (fucose kinase; plus strand). Cytogenetic location: 16q22.1.
Variant type: single nucleotide variant.
Coding change: c.1124C>G on transcript NM_145059.3 (MANE Select); coding-DNA position 1124, C replaced by G.
Protein change: p.Pro375Arg; replaces proline 375 with arginine.
Molecular consequence: missense variant.
Genome position (GRCh38, 1-based): chr16:70,471,026, C>G. VCF-style: chr16-70471026-C-G. GRCh37 (hg19) VCF-style: chr16-70504929-C-G.
Other names: c.1124C>G (NM_145059.2); short protein forms P375R.
Identifiers: ClinVar variation 1682362 (VCV001682362.10), dbSNP rs200044033, ClinGen allele CA8143219.

ClinVar aggregate classification (germline): Conflicting classifications of pathogenicity. Review status: criteria provided, conflicting classifications (1 of 4 stars). 3 submissions from 3 submitters: Uncertain significance (2); Likely benign (1). Last evaluated 2025-07-02.

Conditions:
FCSK-related disorder. Also called: FCSK-related condition.

Allele frequency attached by ClinVar (database versions not stated): gnomAD exomes 0.00012; ExAC 0.00024; 1000 Genomes Project 0.00040; 1000 Genomes Project 30x 0.00047; ESP Exome Variant Server 0.00055; gnomAD 0.00065 and 0.00069; TOPMed 0.00075.
gnomAD v4.1: 183 of 1,602,940 alleles (0.011%); highest among the groups gnomAD compares: African/African-American, 0.22%; no homozygotes.

Submissions (3):

Labcorp Genetics (formerly Invitae), Labcorp
Classification: Likely benign. Last evaluated: 2025-07-02. Review status: criteria provided, single submitter. Criteria: Invitae Variant Classification Sherloc (09022015). Collection method: clinical testing. Allele origin: germline.

Ambry Genetics
Classification: Uncertain significance. Last evaluated: 2024-08-05. Review status: criteria provided, single submitter. Criteria: Ambry Variant Classification Scheme 2023. Collection method: clinical testing. Allele origin: germline.

PreventionGenetics, part of Exact Sciences
Classification: Uncertain significance for FCSK-related condition. Last evaluated: 2022-11-10. Review status: criteria provided, single submitter. Criteria: ACMG Guidelines, 2015. Collection method: clinical testing. Allele origin: germline.
Comment: The FCSK c.1124C>G variant is predicted to result in the amino acid substitution p.Pro375Arg. To our knowledge, this variant has not been reported in the literature. This variant is reported in 0.16% of alleles in individuals of African descent in gnomAD. Although we suspect that this variant may be benign, at this time, the clinical significance of this variant is uncertain due to the absence of conclusive functional and genetic evidence.